The following is an entry in ClinVar:

ClinVar aggregate classification (germline): Pathogenic/Likely pathogenic. Review status: criteria provided, multiple submitters, no conflicts (2 of 4 stars). 2 submissions from 2 submitters: Pathogenic (1); Likely pathogenic (1). Last evaluated 2023-11-28.

Conditions:
Hereditary cancer-predisposing syndrome. Also called: Tumor predisposition; Hereditary neoplastic syndrome; Hereditary Cancer Syndrome; Neoplastic Syndromes, Hereditary. Identifiers: Orphanet 140162, MedGen C0027672, MeSH D009386, MONDO:0015356.
Familial adenomatous polyposis 1 (FAP1). Also called: FAMILIAL ADENOMATOUS POLYPOSIS 1, ATTENUATED; POLYPOSIS, ADENOMATOUS INTESTINAL. Identifiers: MedGen C2713442, MONDO:0021056, OMIM 175100. Disease mechanism: loss of function.

Submissions (2):

Ambry Genetics
Classification: Likely pathogenic for Hereditary cancer-predisposing syndrome. Last evaluated: 2023-11-28. Review status: criteria provided, single submitter. Criteria: Ambry Variant Classification Scheme 2023. Collection method: clinical testing. Allele origin: germline.
Comment: The c.4865delA variant, located in coding exon 15 of the APC gene, results from a deletion of one nucleotide at nucleotide position 4865, causing a translational frameshift with a predicted alternate stop codon (p.N1622Tfs*28). This alteration occurs at the 3' terminus of theAPC gene, is not expected to trigger nonsense-mediated mRNA decay, and impacts the last 43% of the protein. However, premature stop codons are typically deleterious in nature and the impacted region is critical for protein function (Ambry internal data). This variant is considered to be rare based on population cohorts in the Genome Aggregation Database (gnomAD). Based on the majority of available evidence to date, this variant is likely to be pathogenic.

Labcorp Genetics (formerly Invitae), Labcorp
Classification: Pathogenic for Familial adenomatous polyposis 1. Last evaluated: 2023-03-04. Review status: criteria provided, single submitter. Criteria: Invitae Variant Classification Sherloc (09022015). Collection method: clinical testing. Allele origin: germline.
Comment: This sequence change creates a premature translational stop signal (p.Asn1622Thrfs*28) in the APC gene. While this is not anticipated to result in nonsense mediated decay, it is expected to disrupt the last 1222 amino acid(s) of the APC protein. This variant is not present in population databases (gnomAD no frequency). This variant has not been reported in the literature in individuals affected with APC-related conditions. This variant is expected to disrupt the EB1 and HDLG binding sites, which mediate interactions with the cytoskeleton (PMID: 15311282, 17293347). While functional studies have not been performed to directly test the effect on APC protein function, this suggests that disruption of the C-terminal portion of the protein is functionally important. A different truncation (p.Tyr2645Lysfs*14) that lies downstream of this variant has been determined to be pathogenic (PMID: 9824584, 1316610, 27081525, 8381579, 22135120, Invitae). This suggests that deletion of this region of the APC protein is causative of disease. For these reasons, this variant has been classified as Pathogenic.

Literature cited by the submitters: PubMed 15311282 (cited by Labcorp Genetics (formerly Invitae), Labcorp); PubMed 17293347 (cited by Labcorp Genetics (formerly Invitae), Labcorp); PubMed 9824584 (cited by Labcorp Genetics (formerly Invitae), Labcorp); PubMed 1316610 (cited by Labcorp Genetics (formerly Invitae), Labcorp); PubMed 27081525 (cited by Labcorp Genetics (formerly Invitae), Labcorp); PubMed 8381579 (cited by Labcorp Genetics (formerly Invitae), Labcorp); PubMed 22135120 (cited by Labcorp Genetics (formerly Invitae), Labcorp).

NM_000038.6(APC):c.4865del (p.Asn1622fs)

Gene: APC (APC regulator of Wnt signaling pathway; plus strand). Cytogenetic location: 5q22.2.
Variant type: Deletion.
Coding change: c.4865del on transcript NM_000038.6 (MANE Select); coding-DNA position 4865, one base deleted (A; older notation c.4865delA).
Protein change: p.Asn1622fs; shifts the reading frame from asparagine 1622.
Molecular consequence: frameshift variant. On other transcripts: non-coding transcript variant (2).
Genome position (GRCh38, 1-based): chr5:112,840,459, A deleted; the last of 4 consecutive A bases (chr5:112,840,456-112,840,459); deleting any one gives the same sequence. VCF-style (leftmost placement, unchanged base first): chr5-112840455-CA-C. GRCh37 (hg19) VCF-style: chr5-112176152-CA-C.
Other names: c.4865delA (NM_000038.5); c.4865del, p.Asn1622fs (NM_001127510.3, NM_001354895.2, NM_001407450.1); c.4811del, p.Asn1604fs (NM_001127511.3); c.4919del, p.Asn1640fs (NM_001354896.2, NM_001407447.1, NM_001407448.1 and 1 more transcripts); c.4895del, p.Asn1632fs (NM_001354897.2); c.4790del, p.Asn1597fs (NM_001354898.2); c.4781del, p.Asn1594fs (NM_001354899.2); c.4742del, p.Asn1581fs (NM_001354900.2); and 12 more; short protein forms N1496fs, N1604fs, N1622fs, N1238fs, N1339fs, N1493fs, N1521fs, N1594fs.
Identifiers: ClinVar variation 2980196 (VCV002980196.4), dbSNP rs2533604563, ClinGen allele CA2740094013.
Genomic context (GRCh38, chr5:112,840,455, plus strand): 5'-TTACCTCCACCTGTGGCAAGGAAACCAAGTCAGCTGCCTGTGTACAAACTTCTACCATCA[CA>C]AAACAGGTTGCAACCCCAAAAGCATGTTAGTTTTACACCGGGGGATGATATGCCACGGGT-3'